The following is an entry in ClinVar:

ClinVar aggregate classification (germline): Uncertain significance (1 of 4 stars; one submission).

Conditions:
Renal cell carcinoma. Identifiers: Orphanet 217071, MedGen C0007134, MeSH D002292, MONDO:0005086, HP:0005584.

Allele frequency attached by ClinVar (database versions not stated): gnomAD 0.00001.
gnomAD v4.1: 1 of 1,613,930 alleles (0.000062%); highest among the groups gnomAD compares: African/African-American, 0.0013%; no homozygotes.

Submission:

Labcorp Genetics (formerly Invitae), Labcorp
Classification: Uncertain significance for Renal cell carcinoma. Last evaluated: 2022-01-12. Review status: criteria provided, single submitter. Criteria: Invitae Variant Classification Sherloc (09022015). Collection method: clinical testing. Allele origin: germline.
Comment: This variant is present in population databases (no rsID available, gnomAD 0.01%). This variant has not been reported in the literature in individuals affected with MET-related conditions. ClinVar contains an entry for this variant (Variation ID: 1039245). Algorithms developed to predict the effect of missense changes on protein structure and function (SIFT, PolyPhen-2, Align-GVGD) all suggest that this variant is likely to be tolerated. In summary, the available evidence is currently insufficient to determine the role of this variant in disease. Therefore, it has been classified as a Variant of Uncertain Significance. This sequence change replaces methionine, which is neutral and non-polar, with leucine, which is neutral and non-polar, at codon 292 of the MET protein (p.Met292Leu).

NM_000245.4(MET):c.874A>C (p.Met292Leu)

Gene: MET (MET proto-oncogene, receptor tyrosine kinase; plus strand). Cytogenetic location: 7q31.2.
Variant type: single nucleotide variant.
Coding change: c.874A>C on transcript NM_000245.4 (MANE Select); coding-DNA position 874, A replaced by C.
Protein change: p.Met292Leu; replaces methionine 292 with leucine.
Molecular consequence: missense variant. On other transcripts: intron variant (1).
Genome position (GRCh38, 1-based): chr7:116,699,958, A>C. VCF-style: chr7-116699958-A-C. GRCh37 (hg19) VCF-style: chr7-116340012-A-C.
Other names: c.874A>C, p.Met292Leu (NM_001127500.3, NM_001324401.3); c.-91+27381A>C (NM_001324402.2); short protein forms M292L.
Identifiers: ClinVar variation 1039245 (VCV001039245.8), dbSNP rs1395827839, ClinGen allele CA368970041.